The following is an entry in ClinVar:

ClinVar aggregate classification (germline): Uncertain significance (1 of 4 stars; one submission).

Allele frequency attached by ClinVar (database versions not stated): gnomAD 0.00001; TOPMed 0.00001.
gnomAD v4.1: 4 of 1,614,014 alleles (0.00025%); highest among the groups gnomAD compares: Non-Finnish European, 0.00034%; no homozygotes.

Submission:

CeGaT Center for Human Genetics Tuebingen
Classification: Uncertain significance. Last evaluated: 2023-03-01. Review status: criteria provided, single submitter. Criteria: CeGaT Center For Human Genetics Tuebingen Variant Classification Criteria Version 2. Collection method: clinical testing. Allele origin: germline. Affected: yes. Observed: 1 variant allele.
Comment: SPG7: PM2

NM_003119.4(SPG7):c.1016C>G (p.Ala339Gly)

Gene: SPG7 (SPG7 matrix AAA peptidase subunit, paraplegin; plus strand). Cytogenetic location: 16q24.3.
Variant type: single nucleotide variant.
Coding change: c.1016C>G on transcript NM_003119.4 (MANE Select); coding-DNA position 1016, C replaced by G.
Protein change: p.Ala339Gly; replaces alanine 339 with glycine.
Molecular consequence: missense variant.
Genome position (GRCh38, 1-based): chr16:89,531,932, C>G. VCF-style: chr16-89531932-C-G. GRCh37 (hg19) VCF-style: chr16-89598340-C-G.
Other names: c.1016C>G, p.Ala339Gly (NM_001363850.1, NM_199367.3); short protein forms A339G.
Identifiers: ClinVar variation 2647108 (VCV002647108.24), dbSNP rs761518974, ClinGen allele CA397419808.